The following is an entry in ClinVar:

NM_006648.4(WNK2):c.4240G>T (p.Ala1414Ser)

Gene: WNK2 (WNK lysine deficient protein kinase 2; plus strand). Cytogenetic location: 9q22.31.
Variant type: single nucleotide variant.
Coding change: c.4240G>T on transcript NM_006648.4 (MANE Select); coding-DNA position 4240, G replaced by T.
Protein change: p.Ala1414Ser; replaces alanine 1414 with serine.
Molecular consequence: missense variant.
Genome position (GRCh38, 1-based): chr9:93,288,994, G>T. VCF-style: chr9-93288994-G-T. GRCh37 (hg19) VCF-style: chr9-96051276-G-T.
Other names: c.4351G>T, p.Ala1451Ser (NM_001282394.3); short protein forms A1414S, A1451S.
Identifiers: ClinVar variation 4201767 (VCV004201767.1).

ClinVar aggregate classification (germline): Uncertain significance (1 of 4 stars; one submission).

Submission:

Ambry Genetics
Classification: Uncertain significance. Last evaluated: 2025-08-20. Review status: criteria provided, single submitter. Criteria: Ambry Variant Classification Scheme 2023. Collection method: clinical testing. Allele origin: germline.
Comment: The p.A1414S variant (also known as c.4240G>T), located in coding exon 19 of the WNK2 gene, results from a G to T substitution at nucleotide position 4240. The alanine at codon 1414 is replaced by serine, an amino acid with similar properties. This amino acid position is conserved. In addition, this alteration is predicted to be tolerated by in silico analysis. Based on the available evidence, the clinical significance of this variant remains unclear.